The following is an entry in ClinVar:

ClinVar aggregate classification (germline): Pathogenic (1 of 4 stars; one submission).

Conditions:
Autosomal recessive osteopetrosis 1. Also called: ALBERS-SCHONBERG DISEASE, AUTOSOMAL RECESSIVE; TCIRG1-Related Autosomal Recessive Osteopetrosis; TCIRG1-Related Osteopetrosis. Identifiers: Orphanet 667, MedGen C1850127, MONDO:0009815, OMIM 259700.

Submission:

Myriad Genetics, Inc.
Classification: Pathogenic for Autosomal recessive osteopetrosis 1. Last evaluated: 2024-06-13. Review status: criteria provided, single submitter. Criteria: Myriad Autosomal Dominant, Autosomal Recessive and X-Linked Classification Criteria (2023). Collection method: clinical testing. Allele origin: unknown.
Comment: NM_006019.3(TCIRG1):c.2008delC(R670Dfs*17) is expected to be pathogenic in the context of autosomal recessive osteopetrosis type 1. This variant is predicted to lead to an abnormal or absent protein product due to the creation of a premature termination codon in TCIRG1, a gene where loss-of-function variants are known to be pathogenic. Please note: this variant was assessed in the context of healthy population screening.

NM_006019.4(TCIRG1):c.2008del (p.Arg670fs)

Gene: TCIRG1 (T cell immune regulator 1, ATPase H+ transporting V0 subunit a3; plus strand). Cytogenetic location: 11q13.2.
Variant type: Deletion.
Coding change: c.2008del on transcript NM_006019.4 (MANE Select); coding-DNA position 2008, one base deleted (C; older notation c.2008delC).
Protein change: p.Arg670fs; shifts the reading frame from arginine 670.
Molecular consequence: frameshift variant.
Genome position (GRCh38, 1-based): chr11:68,049,783, C deleted; the last of 2 consecutive C bases (chr11:68,049,782-68,049,783); deleting either gives the same sequence. VCF-style (leftmost placement, unchanged base first): chr11-68049781-AC-A. GRCh37 (hg19) VCF-style: chr11-67817248-AC-A.
Other names: c.1114del, p.Arg372fs (NM_001351059.2); c.2008del, p.Arg670fs (NM_001440552.1, NM_001440553.1, NM_001440554.1 and 2 more transcripts); c.1966del, p.Arg656fs (NM_001440555.1, NM_001440556.1, NM_001440563.1); c.1795del, p.Arg599fs (NM_001440559.1, NM_001440560.1, NM_001440561.1 and 2 more transcripts); c.1753del, p.Arg585fs (NM_001440564.1); c.1708del, p.Arg570fs (NM_001440565.1); c.1546del, p.Arg516fs (NM_001440567.1); c.1540del, p.Arg514fs (NM_001440568.1); and 2 more; short protein forms R350fs, R372fs, R454fs, R514fs, R516fs, R570fs, R585fs, R599fs.
Identifiers: ClinVar variation 5013172 (VCV005013172.1).
Genomic context (GRCh38, chr11:68,049,781, plus strand): 5'-TTGGCACACCCCTGCACCTGCTGCACCGCCACCGCCGCCGCCTGCGGAGGAGGCCCGCTG[AC>A]CGACAGGTGGGACCGGGGCCTAAGGTGTGGGGGGCTGCTTGCGGGGAGAGGCCACTGTCC-3'